The following is an entry in ClinVar:

ClinVar aggregate classification (germline): Likely pathogenic (1 of 4 stars; one submission).

Submission:

Labcorp Genetics (formerly Invitae), Labcorp
Classification: Likely pathogenic. Last evaluated: 2022-11-18. Review status: criteria provided, single submitter. Criteria: Invitae Variant Classification Sherloc (09022015). Collection method: clinical testing. Allele origin: germline.
Comment: This variant has not been reported in the literature in individuals affected with MSH3-related conditions. Algorithms developed to predict the effect of sequence changes on RNA splicing suggest that this variant may disrupt the consensus splice site. In summary, the currently available evidence indicates that the variant is pathogenic, but additional data are needed to prove that conclusively. Therefore, this variant has been classified as Likely Pathogenic. This sequence change affects a donor splice site in intron 3 of the MSH3 gene. It is expected to disrupt RNA splicing. Variants that disrupt the donor or acceptor splice site typically lead to a loss of protein function (PMID: 16199547), and loss-of-function variants in MSH3 are known to be pathogenic (PMID: 27476653). This variant is not present in population databases (gnomAD no frequency).

Literature cited by the submitters: PubMed 16199547; PubMed 27476653.

NM_002439.5(MSH3):c.579+1G>C

Gene: MSH3 (mutS homolog 3; plus strand). Cytogenetic location: 5q14.1.
Variant type: single nucleotide variant.
Coding change: c.579+1G>C on transcript NM_002439.5 (MANE Select); the canonical splice donor site of the intron after coding-DNA position 579, G replaced by C.
Molecular consequence: splice donor variant.
Genome position (GRCh38, 1-based): chr5:80,665,364, G>C. VCF-style: chr5-80665364-G-C. GRCh37 (hg19) VCF-style: chr5-79961183-G-C.
Identifiers: ClinVar variation 2132472 (VCV002132472.4), dbSNP rs2112809006, ClinGen allele CA360264655.